The following is an entry in ClinVar:

NM_001366722.1(GRIP1):c.744C>T (p.Ser248=)

Gene: GRIP1 (glutamate receptor interacting protein 1; minus strand). Cytogenetic location: 12q14.3.
Variant type: single nucleotide variant.
Coding change: c.744C>T on transcript NM_001366722.1 (MANE Select); coding-DNA position 744, C replaced by T.
Protein change: p.Ser248=; no amino-acid change (serine 248 retained).
Molecular consequence: synonymous variant.
Genome position (GRCh38, 1-based): chr12:66,465,403, G>A on the plus strand (C>T on the coding strand, the complement: GRIP1 is on the minus strand). VCF-style: chr12-66465403-G-A. GRCh37 (hg19) VCF-style: chr12-66859183-G-A.
Other names: c.744C>T, p.Ser248= (NM_001178074.2, NM_001379346.1, NM_021150.4); c.822C>T, p.Ser274= (NM_001366723.1, NM_001366724.1, NM_001379345.1 and 2 more transcripts); c.747C>T, p.Ser249= (NM_001379349.1, NM_001379351.1); c.744C>T (NM_021150.3).
Identifiers: ClinVar variation 2848838 (VCV002848838.5), dbSNP rs1446748251, ClinGen allele CA480574905.

ClinVar aggregate classification (germline): Likely benign. Review status: criteria provided, single submitter (1 of 4 stars). 2 submissions from 2 submitters: Likely benign (1). 1 of the submissions does not count toward it. Last evaluated 2026-01-28.

Conditions:
GRIP1-related disorder. Also called: GRIP1-related condition.

Allele frequency attached by ClinVar (database versions not stated): TOPMed 0.00003; gnomAD 0.00002; gnomAD exomes 0.00006.
gnomAD v4.1: 89 of 1,613,690 alleles (0.0055%); highest among the groups gnomAD compares: Non-Finnish European, 0.0069%; no homozygotes.

Submissions (2):

Labcorp Genetics (formerly Invitae), Labcorp
Classification: Likely benign. Last evaluated: 2026-01-28. Review status: criteria provided, single submitter. Criteria: Invitae Variant Classification Sherloc (09022015). Collection method: clinical testing. Allele origin: germline.

PreventionGenetics, part of Exact Sciences
Classification: Likely benign for GRIP1-related condition. Last evaluated: 2019-07-12. Review status: no assertion criteria provided. Collection method: clinical testing. Allele origin: germline. Not counted in ClinVar's aggregate classification.
Comment: This variant is classified as likely benign based on ACMG/AMP sequence variant interpretation guidelines (Richards et al. 2015 PMID: 25741868, with internal and published modifications).